The following is an entry in ClinVar:

NM_000264.5(PTCH1):c.1719C>G (p.Phe573Leu)

Gene: PTCH1 (patched 1; minus strand). Cytogenetic location: 9q22.32.
Variant type: single nucleotide variant.
Coding change: c.1719C>G on transcript NM_000264.5 (MANE Select); coding-DNA position 1719, C replaced by G.
Protein change: p.Phe573Leu; replaces phenylalanine 573 with leucine.
Molecular consequence: missense variant. On other transcripts: non-coding transcript variant (1).
Genome position (GRCh38, 1-based): chr9:95,476,043, G>C on the plus strand (C>G on the coding strand, the complement: PTCH1 is on the minus strand). VCF-style: chr9-95476043-G-C. GRCh37 (hg19) VCF-style: chr9-98238325-G-C.
Other names: c.1521C>G, p.Phe507Leu (NM_001083602.3); c.1716C>G, p.Phe572Leu (NM_001083603.3); c.1266C>G, p.Phe422Leu (NM_001083604.3, NM_001083605.3, NM_001083606.3 and 1 more transcripts); c.1563C>G, p.Phe521Leu (NM_001354918.2); short protein forms F572L, F573L, F521L, F422L, F507L.
Identifiers: ClinVar variation 2111447 (VCV002111447.4), dbSNP rs1841002892, ClinGen allele CA374117891.

ClinVar aggregate classification (germline): Uncertain significance (1 of 4 stars; one submission).

Conditions:
Gorlin syndrome. Also called: Nevoid Basal Cell Carcinoma Syndrome; Basal cell nevus syndrome. Identifiers: Orphanet 377, MedGen C0004779, MONDO:0007187.

Allele frequency attached by ClinVar (database versions not stated): TOPMed 0.00001.

Submission:

Labcorp Genetics (formerly Invitae), Labcorp
Classification: Uncertain significance for Gorlin syndrome. Last evaluated: 2022-03-13. Review status: criteria provided, single submitter. Criteria: Invitae Variant Classification Sherloc (09022015). Collection method: clinical testing. Allele origin: germline.
Comment: In summary, the available evidence is currently insufficient to determine the role of this variant in disease. Therefore, it has been classified as a Variant of Uncertain Significance. Advanced modeling of protein sequence and biophysical properties (such as structural, functional, and spatial information, amino acid conservation, physicochemical variation, residue mobility, and thermodynamic stability) performed at Invitae indicates that this missense variant is expected to disrupt PTCH1 protein function. This variant has not been reported in the literature in individuals affected with PTCH1-related conditions. This variant is not present in population databases (gnomAD no frequency). This sequence change replaces phenylalanine, which is neutral and non-polar, with leucine, which is neutral and non-polar, at codon 573 of the PTCH1 protein (p.Phe573Leu).